The following is an entry in ClinVar:

NM_015512.5(DNAH1):c.3549C>A (p.Asp1183Glu)

Gene: DNAH1 (dynein axonemal heavy chain 1; plus strand). Cytogenetic location: 3p21.1.
Variant type: single nucleotide variant.
Coding change: c.3549C>A on transcript NM_015512.5 (MANE Select); coding-DNA position 3549, C replaced by A.
Protein change: p.Asp1183Glu; replaces aspartic acid 1183 with glutamic acid.
Molecular consequence: missense variant.
Genome position (GRCh38, 1-based): chr3:52,354,911, C>A. VCF-style: chr3-52354911-C-A. GRCh37 (hg19) VCF-style: chr3-52388927-C-A.
Other names: short protein forms D1183E.
Identifiers: ClinVar variation 2505830 (VCV002505830.1), dbSNP rs758600796, ClinGen allele CA2433607.

ClinVar aggregate classification (germline): Uncertain significance (1 of 4 stars; one submission).

Allele frequency attached by ClinVar (database versions not stated): ExAC 0.00001.
gnomAD v4.1: 1 of 1,614,044 alleles (0.000062%); highest among the groups gnomAD compares: Admixed American, 0.0017%; no homozygotes.

Submission:

GeneDx
Classification: Uncertain significance. Last evaluated: 2022-12-14. Review status: criteria provided, single submitter. Criteria: GeneDx Variant Classification Process June 2021. Collection method: clinical testing. Allele origin: germline. Affected: yes.
Comment: Not observed at significant frequency in large population cohorts (gnomAD); In silico analysis supports that this missense variant does not alter protein structure/function; Has not been previously published as pathogenic or benign to our knowledge